The following is an entry in ClinVar:

NM_000465.4(BARD1):c.1895A>C (p.Lys632Thr)

Gene: BARD1 (BRCA1 associated RING domain 1; minus strand). Cytogenetic location: 2q35.
Variant type: single nucleotide variant.
Coding change: c.1895A>C on transcript NM_000465.4 (MANE Select); coding-DNA position 1895, A replaced by C.
Protein change: p.Lys632Thr; replaces lysine 632 with threonine.
Molecular consequence: missense variant. On other transcripts: non-coding transcript variant (3), intron variant (1).
Genome position (GRCh38, 1-based): chr2:214,745,075, T>G on the plus strand (A>C on the coding strand, the complement: BARD1 is on the minus strand). VCF-style: chr2-214745075-T-G. GRCh37 (hg19) VCF-style: chr2-215609799-T-G.
Other names: c.1838A>C, p.Lys613Thr (NM_001282543.2); c.542A>C, p.Lys181Thr (NM_001282545.2); c.485A>C, p.Lys162Thr (NM_001282548.2); c.365-14567A>C (NM_001282549.2); c.1895A>C (NM_000465.2); short protein forms K613T, K632T, K162T, K181T.
Identifiers: ClinVar variation 1367943 (VCV001367943.11), dbSNP rs1693034407, ClinGen allele CA350452064.
Genomic context (GRCh38, chr2:214,745,075, plus strand): 5'-AAAACAAAACTAGTCTAATTCATTTCTTAATTCTCTCAAATCCAACACTTACATTCAAAT[T>G]TTAGAATCCAGCATCCATTGAGAATCCCAAGCATACACTTCAAGGTACTTTGAACTGCAT-3'
Protein context (NP_000456.2, residues 622-642): LGILNGCWIL[Lys632Thr]FEWVKACLRR

ClinVar aggregate classification (germline): Uncertain significance. Review status: criteria provided, multiple submitters, no conflicts (2 of 4 stars). 3 submissions from 3 submitters: Uncertain significance (3). Last evaluated 2025-06-17.

Conditions:
Hereditary cancer-predisposing syndrome. Also called: Neoplastic Syndromes, Hereditary; Tumor predisposition; Hereditary neoplastic syndrome; Hereditary Cancer Syndrome. Identifiers: Orphanet 140162, MedGen C0027672, MeSH D009386, MONDO:0015356.
Familial cancer of breast. Also called: BREAST CANCER, FAMILIAL; Hereditary breast cancer; hereditary breast carcinoma. Identifiers: Orphanet 227535, MedGen C0346153, MONDO:0016419, OMIM 114480. Disease mechanism: loss of function.

Allele frequency attached by ClinVar (database versions not stated): TOPMed below 0.00001.

Submissions (3):

Color Diagnostics, LLC DBA Color Health
Classification: Uncertain significance for Hereditary cancer-predisposing syndrome. Last evaluated: 2025-06-17. Review status: criteria provided, single submitter. Criteria: ACMG Guidelines, 2015. Collection method: clinical testing. Allele origin: germline.
Comment: This missense variant replaces lysine with threonine at codon 632 of the BARD1 protein. Computational prediction is inconclusive regarding the impact of this variant on protein structure and function. To our knowledge, functional studies have not been reported for this variant. This variant has not been reported in individuals affected with BARD1-related disorders in the literature. This variant has not been identified in the general population by the Genome Aggregation Database (gnomAD). The available evidence is insufficient to determine the role of this variant in disease conclusively. Therefore, this variant is classified as a Variant of Uncertain Significance.

Ambry Genetics
Classification: Uncertain significance for Hereditary cancer-predisposing syndrome. Last evaluated: 2023-06-24. Review status: criteria provided, single submitter. Criteria: Ambry Variant Classification Scheme 2023. Collection method: clinical testing. Allele origin: germline.
Comment: The p.K632T variant (also known as c.1895A>C), located in coding exon 9 of the BARD1 gene, results from an A to C substitution at nucleotide position 1895. The lysine at codon 632 is replaced by threonine, an amino acid with similar properties. This amino acid position is conserved. In addition, this alteration is predicted to be tolerated by in silico analysis. Since supporting evidence is limited at this time, the clinical significance of this alteration remains unclear.

Labcorp Genetics (formerly Invitae), Labcorp
Classification: Uncertain significance for Familial cancer of breast. Last evaluated: 2023-03-11. Review status: criteria provided, single submitter. Criteria: Invitae Variant Classification Sherloc (09022015). Collection method: clinical testing. Allele origin: germline.
Comment: In summary, the available evidence is currently insufficient to determine the role of this variant in disease. Therefore, it has been classified as a Variant of Uncertain Significance. An algorithm developed to predict the effect of missense changes on protein structure and function (PolyPhen-2) suggests that this variant is likely to be tolerated. This sequence change replaces lysine, which is basic and polar, with threonine, which is neutral and polar, at codon 632 of the BARD1 protein (p.Lys632Thr). This variant has not been reported in the literature in individuals affected with BARD1-related conditions. ClinVar contains an entry for this variant (Variation ID: 1367943). This variant is not present in population databases (gnomAD no frequency).